The following is an entry in ClinVar:

NM_007294.4(BRCA1):c.254A>G (p.Glu85Gly)

Gene: BRCA1 (BRCA1 DNA repair associated; minus strand). Cytogenetic location: 17q21.31.
Variant type: single nucleotide variant.
Coding change: c.254A>G on transcript NM_007294.4 (MANE Select); coding-DNA position 254, A replaced by G.
Protein change: p.Glu85Gly; replaces glutamic acid 85 with glycine.
Molecular consequence: missense variant. On other transcripts: non-coding transcript variant (1).
Genome position (GRCh38, 1-based): chr17:43,104,915, T>C on the plus strand (A>G on the coding strand, the complement: BRCA1 is on the minus strand). VCF-style: chr17-43104915-T-C. GRCh37 (hg19) VCF-style: chr17-41256932-T-C.
Other names: c.113A>G, p.Glu38Gly (NM_001407920.1, NM_001407921.1, NM_001407922.1 and 99 more transcripts); c.254A>G, p.Glu85Gly (NM_001407937.1, NM_001407938.1, NM_001407939.1 and 168 more transcripts); c.44A>G, p.Glu15Gly (NM_001407946.1, NM_001407947.1, NM_001407948.1 and 58 more transcripts); c.-128A>G (NM_001407959.1, NM_001407960.1, NM_001407962.1 and 4 more transcripts); c.176A>G, p.Glu59Gly (NM_001408409.1, NM_001408411.1, NM_001408412.1 and 21 more transcripts); c.122A>G, p.Glu41Gly (NM_001408451.1); short protein forms E38G, E85G, E15G, E59G, E41G.
Identifiers: ClinVar variation 868807 (VCV000868807.3), dbSNP rs2054684634, ClinGen allele CA10601646.
Genomic context (GRCh38, chr17:43,104,915, plus strand): 5'-ATTCAACACTTACACTCCAAACCTGTGTCAAGCTGAAAAGCACAAATGATTTTCAATAGC[T>C]CTTCAACAAGTTGACTAAATCTCGTACTTTCTTGTAGGCTCCTGAAATTAAATTGTTTGA-3'
Protein context (NP_009225.1, residues 75-95): ESTRFSQLVE[Glu85Gly]LLKIICAFQL

Conditions:
Breast-ovarian cancer, familial, susceptibility to, 1 (BROVCA1). Also called: BRCA1 Hereditary Breast and Ovarian Cancer; OVARIAN CANCER, SUSCEPTIBILITY TO. Identifiers: Orphanet 145, MedGen C2676676, MONDO:0011450, OMIM 604370. Disease mechanism: loss of function.

Submission:

Brotman Baty Institute, University of Washington
No classification provided (evidence only). Condition: Breast-ovarian cancer, familial 1. Review status: no classification provided. Collection method: in vitro. Allele origin: not applicable. Functional consequence: functionally_abnormal.
ClinVar note: "not provided" was previously submitted as the classification for the variant. However, the classification appeared to be based only on an observation of functional data so it was converted to no classification on 2025-07-30.